The following is an entry in ClinVar:

ClinVar aggregate classification (germline): Likely benign. Review status: criteria provided, single submitter (1 of 4 stars). 2 submissions from 2 submitters: Likely benign (1). 1 of the submissions does not count toward it. Last evaluated 2026-01-16.

Conditions:
EDN1-related disorder. Also called: EDN1-related condition.

gnomAD v4.1: 118 of 1,614,020 alleles (0.0073%); highest among the groups gnomAD compares: Non-Finnish European, 0.0086%; 2 homozygotes.

Submissions (2):

Labcorp Genetics (formerly Invitae), Labcorp
Classification: Likely benign. Last evaluated: 2026-01-16. Review status: criteria provided, single submitter. Criteria: Invitae Variant Classification Sherloc (09022015). Collection method: clinical testing. Allele origin: germline.

PreventionGenetics, part of Exact Sciences
Classification: Likely benign for EDN1-related condition. Last evaluated: 2019-05-22. Review status: no assertion criteria provided. Collection method: clinical testing. Allele origin: germline. Not counted in ClinVar's aggregate classification.
Comment: This variant is classified as likely benign based on ACMG/AMP sequence variant interpretation guidelines (Richards et al. 2015 PMID: 25741868, with internal and published modifications).

NM_001955.5(EDN1):c.90G>T (p.Ala30=)

Gene: EDN1 (endothelin 1; plus strand). Cytogenetic location: 6p24.1.
Variant type: single nucleotide variant.
Coding change: c.90G>T on transcript NM_001955.5 (MANE Select); coding-DNA position 90, G replaced by T.
Protein change: p.Ala30=; no amino-acid change (alanine 30 retained).
Molecular consequence: synonymous variant.
Genome position (GRCh38, 1-based): chr6:12,292,366, G>T. VCF-style: chr6-12292366-G-T. GRCh37 (hg19) VCF-style: chr6-12292599-G-T.
Other names: c.87G>T, p.Ala29= (NM_001168319.2); c.90G>T, p.Ala30= (NM_001416563.1, NM_001416564.1, NM_001416565.1).
Identifiers: ClinVar variation 3038961 (VCV003038961.3), dbSNP rs150035515, ClinGen allele CA3638620.